The following is an entry in ClinVar:

ClinVar aggregate classification (germline): Uncertain significance (1 of 4 stars; one submission).

Conditions:
Alpha thalassemia-X-linked intellectual disability syndrome (ATRX). Also called: ALPHA-THALASSEMIA/MENTAL RETARDATION SYNDROME, X-LINKED; ATR, NONDELETION TYPE; ATR-X syndrome; Alpha thalassemia mental retardation syndrome, nondeletion type, X-linked; XLMR hypotonic face syndrome; X-linked alpha-thalassemia-mental retardation syndrome. Identifiers: Orphanet 847, MedGen C1845055, MONDO:0010519, OMIM 301040.

Submission:

Labcorp Genetics (formerly Invitae), Labcorp
Classification: Uncertain significance for Alpha thalassemia-X-linked intellectual disability syndrome. Last evaluated: 2024-05-31. Review status: criteria provided, single submitter. Criteria: Invitae Variant Classification Sherloc (09022015). Collection method: clinical testing. Allele origin: germline.
Comment: This sequence change replaces glutamine, which is neutral and polar, with arginine, which is basic and polar, at codon 2042 of the ATRX protein (p.Gln2042Arg). This variant is not present in population databases (gnomAD no frequency). This variant has not been reported in the literature in individuals affected with ATRX-related conditions. Advanced modeling of protein sequence and biophysical properties (such as structural, functional, and spatial information, amino acid conservation, physicochemical variation, residue mobility, and thermodynamic stability) has been performed at Invitae for this missense variant, however the output from this modeling did not meet the statistical confidence thresholds required to predict the impact of this variant on ATRX protein function. In summary, the available evidence is currently insufficient to determine the role of this variant in disease. Therefore, it has been classified as a Variant of Uncertain Significance.

NM_000489.6(ATRX):c.6125A>G (p.Gln2042Arg)

Gene: ATRX (ATRX chromatin remodeler; minus strand). Cytogenetic location: Xq21.1.
Variant type: single nucleotide variant.
Coding change: c.6125A>G on transcript NM_000489.6 (MANE Select); coding-DNA position 6125, A replaced by G.
Protein change: p.Gln2042Arg; replaces glutamine 2042 with arginine.
Molecular consequence: missense variant.
Genome position (GRCh38, 1-based): chrX:77,589,926, T>C on the plus strand (A>G on the coding strand, the complement: ATRX is on the minus strand). VCF-style: chrX-77589926-T-C. GRCh37 (hg19) VCF-style: chrX-76845396-T-C.
Other names: c.6011A>G, p.Gln2004Arg (NM_138270.5); short protein forms Q2042R, Q2004R.
Identifiers: ClinVar variation 2712396 (VCV002712396.3), dbSNP rs2148090811, ClinGen allele CA413702511.